The following continues an entry in ClinVar:

NM_000059.4(BRCA2):c.5682C>G (p.Tyr1894Ter)

Gene: BRCA2. ClinVar aggregate classification (germline): Pathogenic. Pathogenic (1).

Submissions 24 to 40 of 51:

UNC Molecular Genetics  Laboratory, University of North Carolina at Chapel Hill
Classification: Pathogenic for Breast-ovarian cancer, familial, susceptibility to, 2. Last evaluated: 2021-09-07. Review status: criteria provided, single submitter. Criteria: ACMG Guidelines, 2015. Collection method: research. Allele origin: unknown. Observed: 1 variant allele. Study: CSER_NCGENES_2. Not counted in ClinVar's aggregate classification.
Comment: The BRCA2 c.5682C>G p.(Tyr1894Ter) nonsense variant in exon 11 is predicted to introduce a premature stop codon, resulting in loss of normal protein function through nonsense-mediated decay. This variant is observed in gnomAD v2.1.1 with a total allele frequency of 0.0004% (1 allele/250362 alleles). This variant has been previously reported in multiple individuals with breast and ovarian cancer and at least one individual with pancreatic cancer (PMIDs 20104584, 25682074, 29907814, 29360161). The Evidence-based Network of the Interpretation of Germline Mutant Alleles (ENIGMA) has classified this variant as pathogenic (PMID 21990146).

MGZ Medical Genetics Center
Classification: Pathogenic for Breast-ovarian cancer, familial, susceptibility to, 2. Last evaluated: 2021-09-02. Review status: criteria provided, single submitter. Criteria: ACMG Guidelines, 2015. Collection method: clinical testing. Allele origin: germline. Affected: yes. Observed: 1 variant allele. Not counted in ClinVar's aggregate classification.
Comment: ACMG criteria applied: PVS1, PS4, PM2_SUP, PP4

Institute of Medical Genetics and Applied Genomics, University Hospital Tübingen
Classification: Pathogenic. Last evaluated: 2020-10-23. Review status: criteria provided, single submitter. Criteria: ACMG Guidelines, 2015. Collection method: clinical testing. Allele origin: germline. Inheritance: Autosomal unknown. Affected: yes. Not counted in ClinVar's aggregate classification.

Institute of Human Genetics, University of Leipzig Medical Center
Classification: Pathogenic for Breast-ovarian cancer, familial, susceptibility to, 2. Last evaluated: 2020-01-28. Review status: criteria provided, single submitter. Criteria: ACMG Guidelines, 2015. Collection method: clinical testing. Allele origin: germline. Affected: yes. Observed: 1 variant allele. Not counted in ClinVar's aggregate classification.

Laboratory for Molecular Medicine, Mass General Brigham Personalized Medicine
Classification: Pathogenic for Hereditary breast ovarian cancer syndrome. Last evaluated: 2019-10-14. Review status: criteria provided, single submitter. Criteria: ACMG Guidelines, 2015. Collection method: clinical testing. Allele origin: germline. Not counted in ClinVar's aggregate classification.
Comment: The p.Tyr1894X (c.5682C>G) variant in BRCA2 has been reported in >20 individuals with BRCA2-related cancers (Risch 2001, Edwards 2010, Tea 2014, Alemar 2017, AlDubayan 2018, Dudley 2018, BIC database). Furthermore, another variant at this position resulting in the same amino acid change (c.5681dup, p.Tyr1894X) is classified as pathogenic for hereditary breast and ovarian cancer (HBOC) by our laboratory. The c.5682C>G variant has also been identified in 0.001% (1/113148) of European chromosomes by gnomAD; however, this frequency is low enough to be consistent with the frequency of HBOC in the general population. This nonsense variant is predicted to lead to a premature termination codon at position 1894, which is predicted to lead to a truncated or absent protein. Loss of function of the BRCA2 gene is an established disease mechanism in HBOC. Finally, the p.Tyr1894X (c.5682C>G) variant was classified as Pathogenic on Apr 22, 2016 by the ClinGen-approved ENIGMA expert panel (Variation ID: 37989). In summary, this variant meets criteria to be classified as pathogenic for autosomal dominant HBOC. ACMG/AMP Criteria applied: PVS1, PM2, PS4, PS1.

Human Genome Sequencing Center Clinical Lab, Baylor College of Medicine
Classification: Pathogenic for hereditary breast and ovarian cancer syndrome. Last evaluated: 2018-08-13. Review status: criteria provided, single submitter. Criteria: ACMG Guidelines, 2015. Collection method: clinical testing. Allele origin: unknown. Not counted in ClinVar's aggregate classification.
Comment: The c.5682C>G (p.Tyr1894*) variant in the BRCA2 gene is located on the exon 11 and is predicted to introduce a premature translation termination codon (p.Tyr1894*), resulting in an absent or disrupted protein product. Loss-of-function variants of BRCA2 are known to be pathogenic (PMID: 8988179, 11897832). This variant has been reported in more than 10 unrelated individuals with breast or ovarian cancer (PMID: 35912179, 31528241, 26852015, 31837001, 33113089, 36119527). This variant is reported in ClinVar as pathogenic (ID: 37989) and reviewed by the expert panel. This variant is rare in the general population according to gnomAD (1/250362). Therefore, the c.5682C>G (p.Tyr1894*) variant of BRCA2 has been classified as pathogenic.

Academic Department of Medical Genetics, University of Cambridge
Classification: Pathogenic for Hereditary cancer-predisposing syndrome. Last evaluated: 2018-01-26. Review status: criteria provided, single submitter. Criteria: ACMG Guidelines, 2015. Collection method: research. Allele origin: germline. Affected: yes. Observed: 1 heterozygote. Not counted in ClinVar's aggregate classification.
Comment: Application of AMCG guidelines 2015. Used other ClinVar submission evidence where relevant. Loss of heterozygosity in tumours or immunohistochemistry abnormalities considered functional evidence of pathogenicity.

Identified as part of research study of individuals with multiple primary tumours referred for genetic assessment

Fulgent Genetics
Classification: Pathogenic for Familial cancer of breast; Medulloblastoma; Familial prostate cancer; Esophageal atresia/tracheoesophageal fistula; Wilms tumor 1; Fanconi anemia complementation group D1; Breast-ovarian cancer, familial, susceptibility to, 2; Glioma susceptibility 3; Pancreatic cancer, susceptibility to, 2. Last evaluated: 2017-05-18. Review status: criteria provided, single submitter. Criteria: ACMG Guidelines, 2015. Collection method: clinical testing. Allele origin: unknown. Not counted in ClinVar's aggregate classification.

Department of Pathology and Molecular Medicine, Queen's University
Classification: Pathogenic for Hereditary breast ovarian cancer syndrome. Last evaluated: 2017-04-20. Review status: criteria provided, single submitter. Criteria: ACMG Guidelines, 2015. Collection method: clinical testing. Allele origin: germline. Study: The Canadian Open Genetics Repository (COGR). Not counted in ClinVar's aggregate classification.

Cancer Genetics and Genomics Laboratory, British Columbia Cancer Agency
Classification: Pathogenic for Hereditary breast ovarian cancer syndrome. Last evaluated: 2017-04-18. Review status: criteria provided, single submitter. Criteria: ACMG Guidelines, 2015. Collection method: clinical testing. Allele origin: germline. Study: The Canadian Open Genetics Repository (COGR). Not counted in ClinVar's aggregate classification.

Women's Health and Genetics/Laboratory Corporation of America, LabCorp
Classification: Pathogenic for Hereditary breast ovarian cancer syndrome. Last evaluated: 2016-06-14. Review status: criteria provided, single submitter. Criteria: LabCorp Variant Classification Summary - May 2015. Collection method: clinical testing. Allele origin: germline. Not counted in ClinVar's aggregate classification.
Comment: Variant summary: The BRCA2 c.5682C>G (p.Tyr1894X) variant results in a premature termination codon, predicted to cause a truncated or absent BRCA2 protein due to nonsense mediated decay, which are commonly known mechanisms for disease. Truncations downstream of this position have been classified as pathogenic by our laboratory (e.g.c.6644_6647delACTC, c.6682dupG, c.6997_6998delGT, etc.). This variant is absent in 120576 control chromosomes from ExAC. This variant is a recurrent pathogenic mutation found in several HBOC patients/families and in individuals undergoing BRCA1/2 clinical testing. In compound heterozygous with another variant, it has also been reported to cause Fanconi Anemia. Several clinical diagnostic laboratories/reputable databases have classified this variant as pathogenic. Taken together, this variant is classified as a Disease Variant (or Pathogenic).

Consortium of Investigators of Modifiers of BRCA1/2 (CIMBA), c/o University of Cambridge
Classification: Pathogenic for Breast-ovarian cancer, familial, susceptibility to, 2. Last evaluated: 2015-10-02. Review status: criteria provided, single submitter. Criteria: CIMBA Mutation Classification guidelines May 2016. Collection method: clinical testing. Allele origin: germline. Not counted in ClinVar's aggregate classification.

Clinical Genetics DNA and cytogenetics Diagnostics Lab, Erasmus MC, Erasmus Medical Center
Classification: Pathogenic for Breast-ovarian cancer, familial, susceptibility to, 2. Last evaluated: 2015-09-21. Review status: criteria provided, single submitter. Criteria: ACGS Guidelines, 2013. Collection method: clinical testing. Allele origin: germline. Affected: yes. Study: VKGL Data-share Consensus. Not counted in ClinVar's aggregate classification.

Department of Medical Genetics, Oslo University Hospital
Classification: Pathogenic for Breast-ovarian cancer, familial, susceptibility to, 2. Last evaluated: 2015-07-01. Review status: criteria provided, single submitter. Criteria: ACMG Guidelines, 2015. Collection method: clinical testing. Allele origin: germline. Affected: yes. Observed: 4 variant alleles. Not counted in ClinVar's aggregate classification.

Genome Diagnostics Laboratory, University Medical Center Utrecht
Classification: Pathogenic for Breast-ovarian cancer, familial, susceptibility to, 2. Last evaluated: 2014-10-08. Review status: criteria provided, single submitter. Criteria: ACGS Guidelines, 2013. Collection method: clinical testing. Allele origin: germline. Affected: yes. Study: VKGL Data-share Consensus. Not counted in ClinVar's aggregate classification.

Genesis Genomics
Classification: Pathogenic for Breast-ovarian cancer, familial, susceptibility to, 2. Review status: criteria provided, single submitter. Criteria: ACMG Guidelines, 2015. Collection method: clinical testing. Allele origin: germline. Affected: yes. Observed: 1 variant allele. Not counted in ClinVar's aggregate classification.

Juno Genomics, Hangzhou Juno Genomics, Inc
Classification: Pathogenic for Familial cancer of breast; Breast-ovarian cancer, familial, susceptibility to, 2; Glioma susceptibility 3; Medulloblastoma; Pancreatic cancer, susceptibility to, 2; Familial prostate cancer; Fanconi anemia complementation group D1; Wilms tumor 1. Review status: criteria provided, single submitter. Criteria: ACMG Guidelines, 2015. Collection method: clinical testing. Allele origin: germline. Not counted in ClinVar's aggregate classification.
Comment: Null variant in a gene where loss of function (LOF) is a known mechanism of disease.;Novel missense change at an amino acid residue where a different missense change determined to be pathogenic has been seen before.